The following is an entry in ClinVar:

ClinVar aggregate classification (germline): Benign. Review status: criteria provided, multiple submitters, no conflicts (2 of 4 stars). 4 submissions from 3 submitters: Benign (4). Last evaluated 2018-07-21.

Conditions:
Usher syndrome type 2D. Also called: USHER SYNDROME, TYPE IID. Identifiers: Orphanet 231178, Orphanet 886, MedGen C1568249, MONDO:0012662, OMIM 611383.
Autosomal recessive nonsyndromic hearing loss 31. Also called: WHIRLER, MOUSE, HOMOLOG OF. Identifiers: Orphanet 90636, MedGen C1846839, MONDO:0011767, OMIM 607084.

Allele frequency attached by ClinVar (database versions not stated): 1000 Genomes Project 0.27636; 1000 Genomes Project 30x 0.27951; gnomAD exomes 0.32778; TOPMed 0.33549; gnomAD 0.36192.
gnomAD v4.1: 53,225 of 152,620 alleles (35%); highest among the groups gnomAD compares: Non-Finnish European, 39%; 9,711 homozygotes.

Submissions (4):

GeneDx
Classification: Benign. Last evaluated: 2018-07-21. Review status: criteria provided, single submitter. Criteria: GeneDx Variant Classification Process June 2021. Collection method: clinical testing. Allele origin: germline. Affected: yes.

Illumina Laboratory Services, Illumina
Classification: Benign for Autosomal recessive nonsyndromic hearing loss 31. Last evaluated: 2018-01-13. Review status: criteria provided, single submitter. Criteria: ICSL Variant Classification Criteria 13 December 2019. Collection method: clinical testing. Allele origin: germline.
Comment: This variant was observed in the ICSL laboratory as part of a predisposition screen in an ostensibly healthy population. It had not been previously curated by ICSL or reported in the Human Gene Mutation Database (HGMD: prior to June 1st, 2018), and was therefore a candidate for classification through an automated scoring system. Utilizing variant allele frequency, disease prevalence and penetrance estimates, and inheritance mode, an automated score was calculated to assess if this variant is too frequent to cause the disease. Based on the score and internal cut-off values, a variant classified as benign is not then subjected to further curation. The score for this variant resulted in a classification of benign for this disease.

Illumina Laboratory Services, Illumina
Classification: Benign for Usher syndrome type 2D. Last evaluated: 2018-01-13. Review status: criteria provided, single submitter. Criteria: ICSL Variant Classification Criteria 13 December 2019. Collection method: clinical testing. Allele origin: germline.
Comment: the same text as in the submission from Illumina Laboratory Services, Illumina above.

Breakthrough Genomics
Classification: Benign. Review status: criteria provided, single submitter. Criteria: ACMG Guidelines, 2015. Collection method: not provided. Allele origin: germline. Inheritance: Autosomal recessive inheritance. Affected: yes.

NM_015404.4(WHRN):c.-510G>A

Gene: WHRN (whirlin; minus strand). Cytogenetic location: 9q32.
Variant type: single nucleotide variant.
Coding change: c.-510G>A on transcript NM_015404.4 (MANE Select); 510 bases upstream of the start codon, G replaced by A.
Molecular consequence: 5 prime UTR variant.
Genome position (GRCh38, 1-based): chr9:114,505,311, C>T on the plus strand (G>A on the coding strand, the complement: WHRN is on the minus strand). VCF-style: chr9-114505311-C-T. GRCh37 (hg19) VCF-style: chr9-117267591-C-T.
Other names: c.-510G>A (NM_001173425.2).
Identifiers: ClinVar variation 364707 (VCV000364707.9), dbSNP rs10759714, ClinGen allele CA10632100.